The following is an entry in ClinVar:

NM_001348323.3(TRIP12):c.2340-8G>A

Gene: TRIP12 (thyroid hormone receptor interactor 12; minus strand). Cytogenetic location: 2q36.3.
Variant type: single nucleotide variant.
Coding change: c.2340-8G>A on transcript NM_001348323.3 (MANE Select); 8 bases into the intron before coding-DNA position 2340, G replaced by A.
Molecular consequence: intron variant.
Genome position (GRCh38, 1-based): chr2:229,807,872, C>T on the plus strand (G>A on the coding strand, the complement: TRIP12 is on the minus strand). VCF-style: chr2-229807872-C-T. GRCh37 (hg19) VCF-style: chr2-230672588-C-T.
Other names: c.1305-8G>A (NM_001284216.2); c.2196-8G>A (NM_004238.3); c.2214-8G>A (NM_001348331.1, NM_001348317.1, NM_001284215.2 and 2 more transcripts); c.2253-8G>A (NM_001348332.1); c.2340-8G>A (NM_001284214.2, NM_001348319.1, NM_001348333.1 and 11 more transcripts).
Identifiers: ClinVar variation 3769182 (VCV003769182.2).

ClinVar aggregate classification (germline): Uncertain significance (1 of 4 stars; one submission).

gnomAD v4.1: 2 of 1,606,142 alleles (0.00012%); highest among the groups gnomAD compares: Non-Finnish European, 0.00017%; no homozygotes.

Submission:

Women's Health and Genetics/Laboratory Corporation of America, LabCorp
Classification: Uncertain significance. Last evaluated: 2025-01-09. Review status: criteria provided, single submitter. Criteria: LabCorp Variant Classification Summary - May 2015. Collection method: clinical testing. Allele origin: germline.
Comment: Variant summary: TRIP12 c.2340-8G>A alters a non-conserved nucleotide located close to a canonical splice site and therefore could affect mRNA splicing, leading to a significantly altered protein sequence. Consensus agreement among computation tools predict no significant impact on normal splicing. However, these predictions have yet to be confirmed by functional studies. The variant allele was found at a frequency of 8.2e-06 in 242880 control chromosomes. The available data on variant occurrences in the general population are insufficient to allow any conclusion about variant significance. To our knowledge, no occurrence of c.2340-8G>A in individuals affected with Clark-Baraitser Syndrome and no experimental evidence demonstrating its impact on protein function have been reported. No submitters have cited clinical-significance assessments for this variant to ClinVar. Based on the evidence outlined above, the variant was classified as uncertain significance.